The following is an entry in ClinVar:

ClinVar aggregate classification (germline): Pathogenic (1 of 4 stars; one submission).

Conditions:
Wilson disease (WND). Also called: Wilson's disease. Identifiers: Orphanet 905, MedGen C0019202, MONDO:0010200, OMIM 277900. Disease mechanism: loss of function.

gnomAD v4.1: 4 of 1,613,680 alleles (0.00025%); highest among the groups gnomAD compares: Non-Finnish European, 0.00034%; no homozygotes.

Submission:

Labcorp Genetics (formerly Invitae), Labcorp
Classification: Pathogenic for Wilson disease. Last evaluated: 2025-06-22. Review status: criteria provided, single submitter. Criteria: Invitae Variant Classification Sherloc (09022015). Collection method: clinical testing. Allele origin: germline.
Comment: This sequence change falls in intron 15 of the ATP7B gene. It does not directly change the encoded amino acid sequence of the ATP7B protein. This variant is not present in population databases (gnomAD no frequency). This variant has been observed in individual(s) with Wilson disease (internal data). In at least one individual the data is consistent with being in trans (on the opposite chromosome) from a pathogenic variant. It has also been observed to segregate with disease in related individuals. ClinVar contains an entry for this variant (Variation ID: 2149006). Algorithms developed to predict the effect of sequence changes on RNA splicing suggest that this variant may disrupt the consensus splice site. For these reasons, this variant has been classified as Pathogenic.

NM_000053.4(ATP7B):c.3413-20C>G

Gene: ATP7B (ATPase copper transporting beta; minus strand). Cytogenetic location: 13q14.3.
Variant type: single nucleotide variant.
Coding change: c.3413-20C>G on transcript NM_000053.4 (MANE Select); 20 bases into the intron before coding-DNA position 3413, C replaced by G.
Molecular consequence: intron variant.
Genome position (GRCh38, 1-based): chr13:51,941,244, G>C on the plus strand (C>G on the coding strand, the complement: ATP7B is on the minus strand). VCF-style: chr13-51941244-G-C. GRCh37 (hg19) VCF-style: chr13-52515380-G-C.
Other names: c.3080-20C>G (NM_001243182.2); c.2792-20C>G (NM_001005918.3); c.3161-20C>G (NM_001330579.2); c.3179-20C>G (NM_001330578.2).
Identifiers: ClinVar variation 2149006 (VCV002149006.4), dbSNP rs753758073, ClinGen allele CA250077396.
Genomic context (GRCh38, chr13:51,941,244, plus strand): 5'-ACGGTTTCCAATCAGCACAGAGAAGGTCTGGGGGACTGCATCTATTCAAAAGAGGCTGTG[G>C]TTATTTCTAAATGGTCCAATTTCACTGTGAACTAAAAACCATGCAATCCTTTTAACAGCA-3'